The following is an entry in ClinVar:

ClinVar aggregate classification (germline): Pathogenic (1 of 4 stars; one submission).

Conditions:
Propionic acidemia (PROP). Also called: GLYCINEMIA, KETOTIC; HYPERGLYCINEMIA WITH KETOACIDOSIS AND LEUKOPENIA; KETOTIC HYPERGLYCINEMIA. Identifiers: Orphanet 35, MedGen C0268579, MONDO:0011628, OMIM 606054, HP:0003571.

Allele frequency attached by ClinVar (database versions not stated): gnomAD exomes below 0.00001; ExAC 0.00003.

Submission:

Labcorp Genetics (formerly Invitae), Labcorp
Classification: Pathogenic for Propionic acidemia. Last evaluated: 2024-01-24. Review status: criteria provided, single submitter. Criteria: Invitae Variant Classification Sherloc (09022015). Collection method: clinical testing. Allele origin: germline.
Comment: This sequence change creates a premature translational stop signal (p.Gly20Alafs*16) in the PCCB gene. It is expected to result in an absent or disrupted protein product. Loss-of-function variants in PCCB are known to be pathogenic (PMID: 15464417). This variant is present in population databases (rs749257605, gnomAD 0.001%). This variant has not been reported in the literature in individuals affected with PCCB-related conditions. For these reasons, this variant has been classified as Pathogenic.

Literature cited by the submitters: PubMed 15464417.

NM_000532.5(PCCB):c.59_60del (p.Gly20fs)

Gene: PCCB (propionyl-CoA carboxylase subunit beta; plus strand). Cytogenetic location: 3q22.3.
Variant type: Deletion.
Coding change: c.59_60del on transcript NM_000532.5 (MANE Select); coding-DNA positions 59 to 60, 2 bases deleted (GT; older notation c.59_60delGT).
Protein change: p.Gly20fs; shifts the reading frame from glycine 20.
Molecular consequence: frameshift variant.
Genome position (GRCh38, 1-based): chr3:136,250,434-136,250,435, GT deleted. VCF-style (leftmost placement, unchanged base first): chr3-136250433-GGT-G. GRCh37 (hg19) VCF-style: chr3-135969275-GGT-G.
Other names: c.59_60del, p.Gly20fs (NM_001178014.2); short protein forms G20fs.
Identifiers: ClinVar variation 2859484 (VCV002859484.3), dbSNP rs749257605, ClinGen allele CA2631559.